The following is an entry in ClinVar:

ClinVar aggregate classification (germline): Uncertain significance. Review status: criteria provided, multiple submitters, no conflicts (2 of 4 stars). 2 submissions from 2 submitters: Uncertain significance (2). Last evaluated 2023-03-01.

Conditions:
Autosomal recessive nonsyndromic hearing loss 86 (DFNB86). Also called: Deafness , autosomal recessive 86; TBC1D24-Related Autosomal Recessive Nonsyndromic Hearing Loss (DFNB). Identifiers: Orphanet 90636, MedGen C2829265, MONDO:0013826, OMIM 614617.
Autosomal dominant nonsyndromic hearing loss 65. Also called: Deafness, autosomal dominant 65; TBC1D24-Related Autosomal Dominant Nonsyndromic Hearing Loss (DFNA). Identifiers: Orphanet 90635, MedGen C3892048, MONDO:0014470, OMIM 616044.
Developmental and epileptic encephalopathy, 1 (DEE1). Also called: X-linked infantile spasms; West's syndrome; Tonic spasms with clustering, arrest of psychomotor development and hypsarrhythmia on EEG; X-Linked Infantile Spasm Syndrome; OHTAHARA SYNDROME, X-LINKED; INFANTILE SPASM SYNDROME, X-LINKED 1. Identifiers: MedGen C3463992, MONDO:0010632, OMIM 308350. Disease mechanism: loss of function.

Allele frequency attached by ClinVar (database versions not stated): gnomAD exomes 0.00001; TOPMed 0.00001.
gnomAD v4.1: 7 of 1,613,414 alleles (0.00043%); highest among the groups gnomAD compares: African/African-American, 0.0013%; no homozygotes.

Submissions (2):

Neuberg Centre For Genomic Medicine, NCGM
Classification: Uncertain significance for Autosomal recessive nonsyndromic hearing loss 86. Last evaluated: 2023-03-01. Review status: criteria provided, single submitter. Criteria: ACMG Guidelines, 2015. Collection method: clinical testing. Allele origin: germline. Inheritance: Autosomal recessive inheritance. Affected: yes.
Comment: The missense variant c.889C>T(p.Arg297Cys) in TBC1D24 gene has not been reported previously as a pathogenic variant nor as a benign variant, to our knowledge. The Arg residue at 297 position is an important residue and is considered to be an interacting site (Oziębło et al. 2021). The p.Arg297Cys variant is novel (not in any individuals) in 1000 Genomes. The variant has been reported to the ClinVar database as Uncertain Significance. The amino acid change p.Arg297Cys in TBC1D24 is predicted as conserved by GERP++ and PhyloP across 100 vertebrates. The amino acid Arg at position 297 is changed to a Cys changing protein sequence and it might alter its composition and physico-chemical properties. For these reasons, this variant has been classified as Uncertain Significance (VUS).

Labcorp Genetics (formerly Invitae), Labcorp
Classification: Uncertain significance for Developmental and epileptic encephalopathy, 1; Autosomal dominant nonsyndromic hearing loss 65. Last evaluated: 2023-02-28. Review status: criteria provided, single submitter. Criteria: Invitae Variant Classification Sherloc (09022015). Collection method: clinical testing. Allele origin: germline.
Comment: This variant is not present in population databases (gnomAD no frequency). This variant has not been reported in the literature in individuals affected with TBC1D24-related conditions. ClinVar contains an entry for this variant (Variation ID: 1493656). Advanced modeling of protein sequence and biophysical properties (such as structural, functional, and spatial information, amino acid conservation, physicochemical variation, residue mobility, and thermodynamic stability) performed at Invitae indicates that this missense variant is not expected to disrupt TBC1D24 protein function. In summary, the available evidence is currently insufficient to determine the role of this variant in disease. Therefore, it has been classified as a Variant of Uncertain Significance. This sequence change replaces arginine, which is basic and polar, with cysteine, which is neutral and slightly polar, at codon 297 of the TBC1D24 protein (p.Arg297Cys).

NM_001199107.2(TBC1D24):c.889C>T (p.Arg297Cys)

Gene: TBC1D24 (TBC1 domain family member 24; plus strand). Cytogenetic location: 16p13.3.
Variant type: single nucleotide variant.
Coding change: c.889C>T on transcript NM_001199107.2 (MANE Select); coding-DNA position 889, C replaced by T.
Protein change: p.Arg297Cys; replaces arginine 297 with cysteine.
Molecular consequence: missense variant.
Genome position (GRCh38, 1-based): chr16:2,497,037, C>T. VCF-style: chr16-2497037-C-T. GRCh37 (hg19) VCF-style: chr16-2547038-C-T.
Other names: c.889C>T, p.Arg297Cys (NM_020705.3); short protein forms R297C.
Identifiers: ClinVar variation 1493656 (VCV001493656.7), dbSNP rs1351414664, ClinGen allele CA394377755.